The following is an entry in ClinVar:

ClinVar aggregate classification (germline): Uncertain significance (1 of 4 stars; one submission).

Submission:

Labcorp Genetics (formerly Invitae), Labcorp
Classification: Uncertain significance. Last evaluated: 2022-03-18. Review status: criteria provided, single submitter. Criteria: Invitae Variant Classification Sherloc (09022015). Collection method: clinical testing. Allele origin: germline.
Comment: In summary, the available evidence is currently insufficient to determine the role of this variant in disease. Therefore, it has been classified as a Variant of Uncertain Significance. Algorithms developed to predict the effect of sequence changes on RNA splicing suggest that this variant may disrupt the consensus splice site. This variant has not been reported in the literature in individuals affected with SLC9A1-related conditions. This variant is not present in population databases (gnomAD no frequency). This sequence change falls in intron 1 of the SLC9A1 gene. It does not directly change the encoded amino acid sequence of the SLC9A1 protein.

NM_003047.5(SLC9A1):c.353-17TC[2]

Gene: SLC9A1 (solute carrier family 9 member A1; minus strand). Cytogenetic location: 1p36.11.
Variant type: Microsatellite.
Coding change: c.353-17TC[2] on transcript NM_003047.5 (MANE Select); two copies in a row of the 2-base unit TC starting at c.353-17; the reference has three copies in a row; one copy, 2 bases deleted.
Molecular consequence: intron variant.
Genome position (GRCh38, 1-based): chr1:27,114,298-27,114,299, GA deleted on the plus strand (TC on the coding strand, the reverse complement: SLC9A1 is on the minus strand); deleting any 2 consecutive bases within chr1:27,114,298-27,114,303 gives the same sequence; the position shown is the placement nearest the transcript's 3' end. VCF-style (leftmost placement, unchanged base first): chr1-27114297-CGA-C. GRCh37 (hg19) VCF-style: chr1-27440788-CGA-C.
Identifiers: ClinVar variation 2114029 (VCV002114029.4), dbSNP rs2523153213, ClinGen allele CA2580611145.